The following is an entry in ClinVar:

ClinVar aggregate classification (germline): Uncertain significance (1 of 4 stars; one submission).

Conditions:
Autosomal dominant nonsyndromic hearing loss 68. Also called: Deafness, autosomal dominant 68. Identifiers: Orphanet 90635, MedGen C4225240, MONDO:0014740, OMIM 616707.

Allele frequency attached by ClinVar (database versions not stated): gnomAD exomes below 0.00001 and 0.00001; gnomAD 0.00001.
gnomAD v4.1: 3 of 1,601,156 alleles (0.00019%); highest among the groups gnomAD compares: Admixed American, 0.0033%; no homozygotes.

Submission:

Baylor Genetics
Classification: Uncertain significance for Autosomal dominant nonsyndromic hearing loss 68. Last evaluated: 2018-04-11. Review status: criteria provided, single submitter. Criteria: ACMG Guidelines, 2015. Collection method: clinical testing. Allele origin: paternal. Affected: yes.
Comment: This variant was determined to be of uncertain significance according to ACMG Guidelines, 2015 [PMID:25741868].

NM_004839.4(HOMER2):c.130A>G (p.Ser44Gly)

Gene: HOMER2 (homer scaffold protein 2; minus strand). Cytogenetic location: 15q25.2.
Variant type: single nucleotide variant.
Coding change: c.130A>G on transcript NM_004839.4 (MANE Select); coding-DNA position 130, A replaced by G.
Protein change: p.Ser44Gly; replaces serine 44 with glycine.
Molecular consequence: missense variant.
Genome position (GRCh38, 1-based): chr15:82,892,717, T>C on the plus strand (A>G on the coding strand, the complement: HOMER2 is on the minus strand). VCF-style: chr15-82892717-T-C. GRCh37 (hg19) VCF-style: chr15-83561469-T-C.
Other names: c.130A>G, p.Ser44Gly (NM_199330.3); short protein forms S44G.
Identifiers: ClinVar variation 1034125 (VCV001034125.1), dbSNP rs1308445013, ClinGen allele CA393415371.